The following is an entry in ClinVar:

ClinVar aggregate classification (germline): Benign/Likely benign. Review status: criteria provided, multiple submitters, no conflicts (2 of 4 stars). 2 submissions from 2 submitters: Benign (1); Likely benign (1). Last evaluated 2026-08-04.

Conditions:
Familial colorectal cancer type X. Identifiers: Orphanet 440437, MedGen C3896578, MONDO:0018604.

Allele frequency attached by ClinVar (database versions not stated): gnomAD 0.00001; TOPMed 0.00001; ESP Exome Variant Server 0.00008; gnomAD exomes below 0.00001.
gnomAD v4.1: 5 of 1,598,438 alleles (0.00031%); highest among the groups gnomAD compares: South Asian, 0.0011%; no homozygotes.

Submissions (2):

Myriad Genetics, Inc.
Classification: Benign for Familial colorectal cancer type X. Last evaluated: 2026-08-04. Review status: criteria provided, single submitter. Criteria: Myriad Autosomal Dominant, Autosomal Recessive and X-Linked Classification Criteria (2023). Collection method: clinical testing. Allele origin: unknown.
Comment: This variant is considered benign. This variant is a silent/synonymous amino acid change and it is not expected to impact splicing.

Ambry Genetics
Classification: Likely benign. Last evaluated: 2020-09-09. Review status: criteria provided, single submitter. Criteria: Ambry Variant Classification Scheme 2023. Collection method: clinical testing. Allele origin: germline.

NM_001023.4(RPS20):c.300G>A (p.Gln100=)

Gene: RPS20 (ribosomal protein S20; minus strand). Cytogenetic location: 8q12.1.
Variant type: single nucleotide variant.
Coding change: c.300G>A on transcript NM_001023.4 (MANE Select); coding-DNA position 300, G replaced by A.
Protein change: p.Gln100=; no amino-acid change (glutamine 100 retained).
Molecular consequence: synonymous variant.
Genome position (GRCh38, 1-based): chr8:56,073,150, C>T on the plus strand (G>A on the coding strand, the complement: RPS20 is on the minus strand). VCF-style: chr8-56073150-C-T. GRCh37 (hg19) VCF-style: chr8-56985709-C-T.
Other names: c.300G>A, p.Gln100= (NM_001146227.3).
Identifiers: ClinVar variation 1798791 (VCV001798791.3), dbSNP rs371589912, ClinGen allele CA177248695.